The following is an entry in ClinVar:

NM_001365276.2(TNXB):c.8380C>G (p.Leu2794Val)

Gene: TNXB (tenascin XB; minus strand). Cytogenetic location: 6p21.33.
Variant type: single nucleotide variant.
Coding change: c.8380C>G on transcript NM_001365276.2 (MANE Select); coding-DNA position 8380, C replaced by G.
Protein change: p.Leu2794Val; replaces leucine 2794 with valine.
Molecular consequence: missense variant.
Genome position (GRCh38, 1-based): chr6:32,055,938, G>C on the plus strand (C>G on the coding strand, the complement: TNXB is on the minus strand). VCF-style: chr6-32055938-G-C. GRCh37 (hg19) VCF-style: chr6-32023715-G-C.
Other names: c.9121C>G, p.Leu3041Val (NM_001428335.1); c.8380C>G, p.Leu2794Val (NM_019105.8); short protein forms L3041V, L2794V.
Identifiers: ClinVar variation 4615161 (VCV004615161.1).

ClinVar aggregate classification (germline): Uncertain significance (1 of 4 stars; one submission).

Conditions:
Cardiovascular phenotype. Identifiers: MedGen CN230736.

Submission:

Ambry Genetics
Classification: Uncertain significance for Cardiovascular phenotype. Last evaluated: 2025-10-27. Review status: criteria provided, single submitter. Criteria: Ambry Variant Classification Scheme 2023. Collection method: clinical testing. Allele origin: germline.
Comment: The p.L2794V variant (also known as c.8380C>G), located in coding exon 23 of the TNXB gene, results from a C to G substitution at nucleotide position 8380. The leucine at codon 2794 is replaced by valine, an amino acid with highly similar properties. This amino acid position is conserved. In addition, this alteration is predicted to be tolerated by in silico analysis. Based on the available evidence, the clinical significance of this variant remains unclear.